The following is an entry in ClinVar:

NM_182643.3(DLC1):c.129T>C (p.Ser43=)

Gene: DLC1 (DLC1 Rho GTPase activating protein; minus strand). Cytogenetic location: 8p22.
Variant type: single nucleotide variant.
Coding change: c.129T>C on transcript NM_182643.3 (MANE Select); coding-DNA position 129, T replaced by C.
Protein change: p.Ser43=; no amino-acid change (serine 43 retained).
Molecular consequence: synonymous variant. On other transcripts: 5 prime UTR variant (1).
Genome position (GRCh38, 1-based): chr8:13,499,943, A>G on the plus strand (T>C on the coding strand, the complement: DLC1 is on the minus strand). VCF-style: chr8-13499943-A-G. GRCh37 (hg19) VCF-style: chr8-13357452-A-G.
Other names: c.129T>C, p.Ser43= (NM_001348081.2, NM_001413124.1, NM_001413125.1 and 1 more transcripts); c.-1323T>C (NM_001348082.2).
Identifiers: ClinVar variation 3905933 (VCV003905933.10).
Genomic context (GRCh38, chr8:13,499,943, plus strand): 5'-GTCAGGTAGTGAAACACACTTCTCTTTGCGGTCCACATTTAGAGTTGCATCTTTTTCCAT[A>G]CTTGCCTGCAAGCTGTCAGCTACTAGTCCATGATGACATGCTGTGTTACGATCATCAGAA-3'
Protein context (NP_872584.2, residues 33-53): HGLVADSLQA[Ser43=]MEKDATLNVD

ClinVar aggregate classification (germline): Likely benign (1 of 4 stars; one submission).

gnomAD v4.1: 6 of 1,614,074 alleles (0.00037%); highest among the groups gnomAD compares: Middle Eastern, 0.066%; no homozygotes.

Submission:

CeGaT Center for Human Genetics Tuebingen
Classification: Likely benign. Last evaluated: 2025-05-01. Review status: criteria provided, single submitter. Criteria: CeGaT Center For Human Genetics Tuebingen Variant Classification Criteria Version 2. Collection method: clinical testing. Allele origin: germline. Affected: yes. Observed: 1 variant allele.
Comment: DLC1: BP4, BP7